The following is an entry in ClinVar:

ClinVar aggregate classification (germline): Uncertain significance. Review status: criteria provided, multiple submitters, no conflicts (2 of 4 stars). 3 submissions from 3 submitters: Uncertain significance (3). Last evaluated 2025-09-16.

Conditions:
Hereditary cancer-predisposing syndrome. Also called: Hereditary neoplastic syndrome; Neoplastic Syndromes, Hereditary; Tumor predisposition; Hereditary Cancer Syndrome. Identifiers: Orphanet 140162, MedGen C0027672, MeSH D009386, MONDO:0015356.
Rhabdoid tumor predisposition syndrome 2 (RTPS2). Identifiers: Orphanet 231108, Orphanet 69077, MedGen C2750074, MONDO:0013224, OMIM 613325.

Submissions (3):

Labcorp Genetics (formerly Invitae), Labcorp
Classification: Uncertain significance for Rhabdoid tumor predisposition syndrome 2. Last evaluated: 2025-09-16. Review status: criteria provided, single submitter. Criteria: Invitae Variant Classification Sherloc (09022015). Collection method: clinical testing. Allele origin: germline.
Comment: This sequence change replaces glutamic acid, which is acidic and polar, with aspartic acid, which is acidic and polar, at codon 798 of the SMARCA4 protein (p.Glu798Asp). This variant is not present in population databases (gnomAD no frequency). This variant has not been reported in the literature in individuals affected with SMARCA4-related conditions. ClinVar contains an entry for this variant (Variation ID: 470306). Invitae Evidence Modeling of protein sequence and biophysical properties (such as structural, functional, and spatial information, amino acid conservation, physicochemical variation, residue mobility, and thermodynamic stability) indicates that this missense variant is expected to disrupt SMARCA4 protein function with a positive predictive value of 95%. In summary, the available evidence is currently insufficient to determine the role of this variant in disease. Therefore, it has been classified as a Variant of Uncertain Significance.

Ambry Genetics
Classification: Uncertain significance for Hereditary cancer-predisposing syndrome. Last evaluated: 2025-05-27. Review status: criteria provided, single submitter. Criteria: Ambry Variant Classification Scheme 2023. Collection method: clinical testing. Allele origin: germline.
Comment: The p.E798D variant (also known as c.2394G>T), located in coding exon 15 of the SMARCA4 gene, results from a G to T substitution at nucleotide position 2394. The glutamic acid at codon 798 is replaced by aspartic acid, an amino acid with highly similar properties. This amino acid position is highly conserved in available vertebrate species. In addition, the in silico prediction for this alteration is inconclusive. Based on the available evidence, the clinical significance of this variant remains unclear.

GeneDx
Classification: Uncertain significance. Last evaluated: 2024-05-10. Review status: criteria provided, single submitter. Criteria: GeneDx Variant Classification Process June 2021. Collection method: clinical testing. Allele origin: germline. Affected: yes.
Comment: Not observed at significant frequency in large population cohorts (gnomAD); In silico analysis supports that this missense variant has a deleterious effect on protein structure/function; Has not been previously published as pathogenic or benign to our knowledge; This variant is associated with the following publications: (PMID: 24658002)

NM_003072.5(SMARCA4):c.2394G>T (p.Glu798Asp)

Gene: SMARCA4 (SWI/SNF related BAF chromatin remodeling complex subunit ATPase 4; plus strand). Cytogenetic location: 19p13.2.
Variant type: single nucleotide variant.
Coding change: c.2394G>T on transcript NM_003072.5 (MANE Select); coding-DNA position 2394, G replaced by T.
Protein change: p.Glu798Asp; replaces glutamic acid 798 with aspartic acid.
Molecular consequence: missense variant. On other transcripts: non-coding transcript variant (1).
Genome position (GRCh38, 1-based): chr19:11,013,068, G>T. VCF-style: chr19-11013068-G-T. GRCh37 (hg19) VCF-style: chr19-11123744-G-T.
Other names: c.2394G>T, p.Glu798Asp (NM_001128844.3, NM_001128845.2, NM_001128846.2 and 5 more transcripts); short protein forms E798D.
Identifiers: ClinVar variation 470306 (VCV000470306.14), dbSNP rs1555774749, ClinGen allele CA404053268.